The following is an entry in ClinVar:

ClinVar aggregate classification (germline): Uncertain significance. Review status: criteria provided, multiple submitters, no conflicts (2 of 4 stars). 2 submissions from 2 submitters: Uncertain significance (2). Last evaluated 2025-11-25.

gnomAD v4.1: 14 of 1,565,100 alleles (0.00089%); highest among the groups gnomAD compares: Non-Finnish European, 0.0012%; no homozygotes.

Submissions (2):

Ambry Genetics
Classification: Uncertain significance. Last evaluated: 2025-11-25. Review status: criteria provided, single submitter. Criteria: Ambry Variant Classification Scheme 2023. Collection method: clinical testing. Allele origin: germline.

Labcorp Genetics (formerly Invitae), Labcorp
Classification: Uncertain significance. Last evaluated: 2025-07-03. Review status: criteria provided, single submitter. Criteria: Invitae Variant Classification Sherloc (09022015). Collection method: clinical testing. Allele origin: germline.
Comment: This sequence change replaces arginine, which is basic and polar, with glutamine, which is neutral and polar, at codon 269 of the ARHGEF1 protein (p.Arg269Gln). This variant is present in population databases (rs781884761, gnomAD 0.002%). This variant has not been reported in the literature in individuals affected with ARHGEF1-related conditions. An algorithm developed to predict the effect of missense changes on protein structure and function (PolyPhen-2) suggests that this variant is likely to be tolerated. In summary, the available evidence is currently insufficient to determine the role of this variant in disease. Therefore, it has been classified as a Variant of Uncertain Significance.

NM_004706.4(ARHGEF1):c.761G>A (p.Arg254Gln)

Gene: ARHGEF1 (Rho guanine nucleotide exchange factor 1; plus strand). Cytogenetic location: 19q13.2.
Variant type: single nucleotide variant.
Coding change: c.761G>A on transcript NM_004706.4 (MANE Select); coding-DNA position 761, G replaced by A.
Protein change: p.Arg254Gln; replaces arginine 254 with glutamine.
Molecular consequence: missense variant. On other transcripts: non-coding transcript variant (2).
Genome position (GRCh38, 1-based): chr19:41,894,467, G>A. VCF-style: chr19-41894467-G-A. GRCh37 (hg19) VCF-style: chr19-42398540-G-A.
Other names: c.761G>A, p.Arg254Gln (NM_001396000.1, NM_001396003.1, NM_001396006.1); c.662G>A, p.Arg221Gln (NM_001396002.1, NM_001396004.1, NM_198977.2); c.806G>A, p.Arg269Gln (NM_199002.2); short protein forms R269Q, R221Q, R254Q.
Identifiers: ClinVar variation 4642530 (VCV004642530.2).